The following is an entry in ClinVar:

NM_013382.7(POMT2):c.961G>A (p.Ala321Thr)

Gene: POMT2 (protein O-mannosyltransferase 2; minus strand). Cytogenetic location: 14q24.3.
Variant type: single nucleotide variant.
Coding change: c.961G>A on transcript NM_013382.7 (MANE Select); coding-DNA position 961, G replaced by A.
Protein change: p.Ala321Thr; replaces alanine 321 with threonine.
Molecular consequence: missense variant.
Genome position (GRCh38, 1-based): chr14:77,298,734, C>T on the plus strand (G>A on the coding strand, the complement: POMT2 is on the minus strand). VCF-style: chr14-77298734-C-T. GRCh37 (hg19) VCF-style: chr14-77765077-C-T.
Other names: c.961G>A (NM_013382.5); short protein forms A321T.
Identifiers: ClinVar variation 1435373 (VCV001435373.6), dbSNP rs770147545, ClinGen allele CA7286030.

ClinVar aggregate classification (germline): Uncertain significance. Review status: criteria provided, multiple submitters, no conflicts (2 of 4 stars). 2 submissions from 2 submitters: Uncertain significance (2). Last evaluated 2025-10-22.

Conditions:
Muscular dystrophy-dystroglycanopathy (congenital with brain and eye anomalies), type A2. Also called: MUSCULAR DYSTROPHY-DYSTROGLYCANOPATHY (CONGENITAL WITH BRAIN AND EYE ANOMALIES), TYPE A, 2; WALKER-WARBURG SYNDROME OR MUSCLE-EYE-BRAIN DISEASE, POMT2-RELATED. Identifiers: Orphanet 588, Orphanet 899, MedGen C3150411, MONDO:0013154, OMIM 613150.
Autosomal recessive limb-girdle muscular dystrophy type 2N. Also called: MUSCULAR DYSTROPHY-DYSTROGLYCANOPATHY, LIMB-GIRDLE, POMT2-RELATED; Muscular dystrophy-dystroglycanopathy (limb-girdle), type C, 2. Identifiers: Orphanet 206559, MedGen C3150418, MONDO:0013162, OMIM 613158.
Muscular dystrophy-dystroglycanopathy (congenital with impaired intellectual development), type B, 2. Also called: MUSCULAR DYSTROPHY, CONGENITAL, POMT2-RELATED; Muscular dystrophy-dystroglycanopathy (congenital with intellectual disability), type B2. Identifiers: MedGen C3150416, MONDO:0013160, OMIM 613156.
Inborn genetic diseases. Identifiers: MedGen C0950123, MeSH D030342.

Allele frequency attached by ClinVar (database versions not stated): gnomAD exomes 0.00001; ExAC 0.00004.
gnomAD v4.1: 4 of 1,613,650 alleles (0.00025%); highest among the groups gnomAD compares: Admixed American, 0.0067%; no homozygotes.

Submissions (2):

Ambry Genetics
Classification: Uncertain significance for Inborn genetic diseases. Last evaluated: 2025-10-22. Review status: criteria provided, single submitter. Criteria: Ambry Variant Classification Scheme 2023. Collection method: clinical testing. Allele origin: germline.

Labcorp Genetics (formerly Invitae), Labcorp
Classification: Uncertain significance for Muscular dystrophy-dystroglycanopathy (congenital with impaired intellectual development), type B, 2; Muscular dystrophy-dystroglycanopathy (congenital with brain and eye anomalies), type A2; Autosomal recessive limb-girdle muscular dystrophy type 2N. Last evaluated: 2022-10-17. Review status: criteria provided, single submitter. Criteria: Invitae Variant Classification Sherloc (09022015). Collection method: clinical testing. Allele origin: germline.
Comment: This sequence change replaces alanine, which is neutral and non-polar, with threonine, which is neutral and polar, at codon 321 of the POMT2 protein (p.Ala321Thr). The frequency data for this variant in the population databases is considered unreliable, as metrics indicate poor data quality at this position in the gnomAD database. This variant has not been reported in the literature in individuals affected with POMT2-related conditions. ClinVar contains an entry for this variant (Variation ID: 1435373). Advanced modeling of protein sequence and biophysical properties (such as structural, functional, and spatial information, amino acid conservation, physicochemical variation, residue mobility, and thermodynamic stability) performed at Invitae indicates that this missense variant is not expected to disrupt POMT2 protein function. In summary, the available evidence is currently insufficient to determine the role of this variant in disease. Therefore, it has been classified as a Variant of Uncertain Significance.